The following is an entry in ClinVar:

NM_001384140.1(PCDH15):c.3221_3222del (p.Gly1074fs)

Gene: PCDH15 (protocadherin related 15; minus strand). Cytogenetic location: 10q21.1.
Variant type: Deletion.
Coding change: c.3221_3222del on transcript NM_001384140.1 (MANE Select); coding-DNA positions 3221 to 3222, 2 bases deleted (GA; older notation c.3221_3222delGA).
Protein change: p.Gly1074fs; shifts the reading frame from glycine 1074.
Molecular consequence: frameshift variant.
Genome position (GRCh38, 1-based): chr10:53,940,876-53,940,877, TC deleted on the plus strand (GA on the coding strand, the reverse complement: PCDH15 is on the minus strand). VCF-style (leftmost placement, unchanged base first): chr10-53940875-TTC-T. GRCh37 (hg19) VCF-style: chr10-55700635-TTC-T.
Other names: c.3236_3237del, p.Gly1079fs (NM_001142763.2, NM_001142771.2); c.3221_3222del, p.Gly1074fs (NM_001142764.2, NM_001142766.2, NM_001142770.3 and 4 more transcripts); c.3008_3009del, p.Gly1003fs (NM_001142765.2); c.3110_3111del, p.Gly1037fs (NM_001142767.2); c.3155_3156del, p.Gly1052fs (NM_001142768.2, NM_001142773.2, NM_001354404.2); c.3257_3258delGA, p.Gly1086Glufs (NM_001142769.4); c.3242_3243del, p.Gly1081fs (NM_001354411.2); short protein forms G1081fs, G1037fs, G1052fs, G1086fs, G1003fs, G1074fs, G1079fs.
Identifiers: ClinVar variation 2745131 (VCV002745131.4), dbSNP rs2494642835, ClinGen allele CA2697558342.

ClinVar aggregate classification (germline): Pathogenic. Review status: criteria provided, multiple submitters, no conflicts (2 of 4 stars). 2 submissions from 2 submitters: Pathogenic (2). Last evaluated 2025-01-01.

Conditions:
Usher syndrome type 1F (USH1F). Also called: USHER SYNDROME, TYPE IF. Identifiers: Orphanet 231169, Orphanet 886, MedGen C1865885, MONDO:0011186, OMIM 602083.

Submissions (2):

Myriad Genetics, Inc.
Classification: Pathogenic for Usher syndrome type 1F. Last evaluated: 2025-01-01. Review status: criteria provided, single submitter. Criteria: Myriad Autosomal Dominant, Autosomal Recessive and X-Linked Classification Criteria (2023). Collection method: clinical testing. Allele origin: unknown.
Comment: NM_033056.3(PCDH15):c.3221_3222delGA(G1074Efs*2) is expected to be pathogenic in the context of PCDH15-related disorders. This variant is predicted to lead to an abnormal or absent protein product due to the creation of a premature termination codon in PCDH15, a gene where loss-of-function variants are known to be pathogenic. Please note: this variant was assessed in the context of healthy population screening.

Labcorp Genetics (formerly Invitae), Labcorp
Classification: Pathogenic. Last evaluated: 2023-07-19. Review status: criteria provided, single submitter. Criteria: Invitae Variant Classification Sherloc (09022015). Collection method: clinical testing. Allele origin: germline.
Comment: For these reasons, this variant has been classified as Pathogenic. This variant has not been reported in the literature in individuals affected with PCDH15-related conditions. This variant is not present in population databases (gnomAD no frequency). This sequence change creates a premature translational stop signal (p.Gly1074Glufs*2) in the PCDH15 gene. It is expected to result in an absent or disrupted protein product. Loss-of-function variants in PCDH15 are known to be pathogenic (PMID: 11398101, 11487575, 14570705).

Literature cited by the submitters: PubMed 11398101 (cited by Labcorp Genetics (formerly Invitae), Labcorp); PubMed 11487575 (cited by Labcorp Genetics (formerly Invitae), Labcorp); PubMed 14570705 (cited by Labcorp Genetics (formerly Invitae), Labcorp).